The following is an entry in ClinVar:

NM_032638.5(GATA2):c.590C>A (p.Ser197Tyr)

Gene: GATA2 (GATA binding protein 2; minus strand). Cytogenetic location: 3q21.3.
Variant type: single nucleotide variant.
Coding change: c.590C>A on transcript NM_032638.5 (MANE Select); coding-DNA position 590, C replaced by A.
Protein change: p.Ser197Tyr; replaces serine 197 with tyrosine.
Molecular consequence: missense variant.
Genome position (GRCh38, 1-based): chr3:128,486,008, G>T on the plus strand (C>A on the coding strand, the complement: GATA2 is on the minus strand). VCF-style: chr3-128486008-G-T. GRCh37 (hg19) VCF-style: chr3-128204851-G-T.
Other names: c.590C>A, p.Ser197Tyr (NM_001145661.2, NM_001145662.1); c.590C>A (NM_032638.4); short protein forms S197Y.
Identifiers: ClinVar variation 1410129 (VCV001410129.9), dbSNP rs142693553, ClinGen allele CA83371884.
Genomic context (GRCh38, chr3:128,486,008, plus strand): 5'-AGTGACACCTGGTACTTGACGCCGTCCTTGTCCTCTCCTCGGGCTGCACTACCCCCCGCG[G>T]AAGATGAGGCTGGAGACGCAGCCCCCGTGGTGCTAGGGTCAGGAGACACTTCTTTGGGTG-3'
Protein context (NP_116027.2, residues 187-207): TTGAASPASS[Ser197Tyr]AGGSAARGED

ClinVar aggregate classification (germline): Uncertain significance. Review status: criteria provided, multiple submitters, no conflicts (2 of 4 stars). 2 submissions from 2 submitters: Uncertain significance (2). Last evaluated 2026-08-07.

Conditions:
Deafness-lymphedema-leukemia syndrome. Also called: Lymphedema, primary, with myelodysplasia; Emberger syndrome. Identifiers: Orphanet 3226, MedGen C3279664, MONDO:0013540, OMIM 614038.
Monocytopenia with susceptibility to infections. Also called: MONOCYTOPENIA AND MYCOBACTERIAL INFECTION SYNDROME; MONOCYTOPENIA WITH SUSCEPTIBILITY TO MYCOBACTERIAL, FUNGAL, AND PAPILLOMAVIRUS INFECTIONS AND MYELODYSPLASIA; COMBINED IMMUNODEFICIENCY WITH SUSCEPTIBILITY TO MYCOBACTERIAL, VIRAL, AND FUNGAL INFECTIONS; Dendritic cell, monocyte, B lymphocyte, and natural killer lymphocyte deficiency; IMMUNODEFICIENCY 21; GATA2 DEFICIENCY. Identifiers: Orphanet 228423, MedGen C3280030, MONDO:0013607, OMIM 614172.
Inborn genetic diseases. Identifiers: MedGen C0950123, MeSH D030342.

Allele frequency attached by ClinVar (database versions not stated): gnomAD exomes below 0.00001; TOPMed below 0.00001; gnomAD 0.00001; ESP Exome Variant Server 0.00008.

Submissions (2):

Ambry Genetics
Classification: Uncertain significance for Inborn genetic diseases. Last evaluated: 2026-08-07. Review status: criteria provided, single submitter. Criteria: Ambry Variant Classification Scheme 2023. Collection method: clinical testing. Allele origin: germline.
Comment: The p.S197Y variant (also known as c.590C>A), located in coding exon 2 of the GATA2 gene, results from a C to A substitution at nucleotide position 590. The serine at codon 197 is replaced by tyrosine, an amino acid with dissimilar properties. This amino acid position is well conserved in available vertebrate species. In addition, the in silico prediction for this alteration is inconclusive. Based on the available evidence, the clinical significance of this variant remains unclear.

Labcorp Genetics (formerly Invitae), Labcorp
Classification: Uncertain significance for Monocytopenia with susceptibility to infections; Deafness-lymphedema-leukemia syndrome. Last evaluated: 2023-09-18. Review status: criteria provided, single submitter. Criteria: Invitae Variant Classification Sherloc (09022015). Collection method: clinical testing. Allele origin: germline.
Comment: In summary, the available evidence is currently insufficient to determine the role of this variant in disease. Therefore, it has been classified as a Variant of Uncertain Significance. Advanced modeling of protein sequence and biophysical properties (such as structural, functional, and spatial information, amino acid conservation, physicochemical variation, residue mobility, and thermodynamic stability) has been performed at Invitae for this missense variant, however the output from this modeling did not meet the statistical confidence thresholds required to predict the impact of this variant on GATA2 protein function. ClinVar contains an entry for this variant (Variation ID: 1410129). This variant has not been reported in the literature in individuals affected with GATA2-related conditions. This variant is not present in population databases (gnomAD no frequency). This sequence change replaces serine, which is neutral and polar, with tyrosine, which is neutral and polar, at codon 197 of the GATA2 protein (p.Ser197Tyr).